The following is an entry in ClinVar:

NM_000159.4(GCDH):c.298A>T (p.Met100Leu)

Gene: GCDH (glutaryl-CoA dehydrogenase; plus strand). Cytogenetic location: 19p13.13.
Variant type: single nucleotide variant.
Coding change: c.298A>T on transcript NM_000159.4 (MANE Select); coding-DNA position 298, A replaced by T.
Protein change: p.Met100Leu; replaces methionine 100 with leucine.
Molecular consequence: missense variant. On other transcripts: non-coding transcript variant (1).
Genome position (GRCh38, 1-based): chr19:12,892,142, A>T. VCF-style: chr19-12892142-A-T. GRCh37 (hg19) VCF-style: chr19-13002956-A-T.
Other names: c.298A>T (NM_000159.3); c.298A>T, p.Met100Leu (NM_013976.5); short protein forms M100L.
Identifiers: ClinVar variation 3902556 (VCV003902556.4).
Genomic context (GRCh38, chr19:12,892,142, plus strand): 5'-CTGGGCCTGAATTTGGGCACTGGTCCCTTTGCAGTTTTTCATCGGGAGATCATTTCGGAG[A>T]TGGGGGAGTTGGGTGTGCTGGGCCCCACCATCAAAGGTAGGAACAAGTATCTCTCCACAC-3'
Protein context (NP_000150.1, residues 90-110): EVFHREIISE[Met100Leu]GELGVLGPTI

ClinVar aggregate classification (germline): Uncertain significance. Review status: criteria provided, multiple submitters, no conflicts (2 of 4 stars). 3 submissions from 3 submitters: Uncertain significance (2). 1 of the submissions does not count toward it. Last evaluated 2025-11-03.

Conditions:
Glutaric aciduria, type 1. Also called: Glutaric Acidemia Type 1; GA I; Glutaryl-CoA dehydrogenase deficiency; Glutaric acidemia type I; Glutaricacidemia Type 1; Glutaricaciduria, type I. Identifiers: Orphanet 25, MedGen C0268595, MONDO:0009281, OMIM 231670.

Submissions (3):

Dasa
Classification: Uncertain significance. Last evaluated: 2025-11-03. Review status: criteria provided, single submitter. Criteria: DASA Assertion Criteria. Collection method: clinical testing. Allele origin: germline.
Comment: NM_000159.4(GCDH):c.298A>T (p.Met100Leu) is a missense variant that results in the substitution of methionine with leucine. This variant is absent from population databases. The currently available literature and clinical evidence are not sufficient to establish a definitive association between this variant and the reported condition. Therefore, this variant is classified as a variant of uncertain significance.

Women's Health and Genetics/Laboratory Corporation of America, LabCorp
Classification: Uncertain significance. Last evaluated: 2025-05-02. Review status: criteria provided, single submitter. Criteria: LabCorp Variant Classification Summary - May 2015. Collection method: clinical testing. Allele origin: germline.
Comment: Variant summary: GCDH c.298A>T (p.Met100Leu) results in a conservative amino acid change in the encoded protein sequence. Algorithms developed to predict the effect of missense changes on protein structure and function are either unavailable or do not agree on the potential impact of this missense change. The variant was absent in 251480 control chromosomes. The available data on variant occurrences in the general population are insufficient to allow any conclusion about variant significance. To our knowledge, no occurrence of c.298A>T in individuals affected with Glutaric Acidemia Type 1 and no experimental evidence demonstrating its impact on protein function have been reported. No submitters have cited clinical-significance assessments for this variant to ClinVar. Based on the evidence outlined above, the variant was classified as uncertain significance.

Natera, Inc.
Classification: Uncertain significance for Glutaric acidemia type 1. Last evaluated: 2025-04-24. Review status: no assertion criteria provided. Collection method: clinical testing. Allele origin: germline. Not counted in ClinVar's aggregate classification.